The following is an entry in ClinVar:

ClinVar aggregate classification (germline): Uncertain significance. Review status: criteria provided, multiple submitters, no conflicts (2 of 4 stars). 2 submissions from 2 submitters: Uncertain significance (2). Last evaluated 2024-02-13.

Allele frequency attached by ClinVar (database versions not stated): gnomAD 0.00003; TOPMed 0.00003; gnomAD exomes 0.00005; ExAC 0.00011.

Submissions (2):

Ambry Genetics
Classification: Uncertain significance. Last evaluated: 2024-02-13. Review status: criteria provided, single submitter. Criteria: Ambry Variant Classification Scheme 2023. Collection method: clinical testing. Allele origin: germline.

Labcorp Genetics (formerly Invitae), Labcorp
Classification: Uncertain significance. Last evaluated: 2023-06-17. Review status: criteria provided, single submitter. Criteria: Invitae Variant Classification Sherloc (09022015). Collection method: clinical testing. Allele origin: germline.
Comment: This sequence change replaces arginine, which is basic and polar, with histidine, which is basic and polar, at codon 1296 of the ARHGEF10 protein (p.Arg1296His). This variant is present in population databases (rs771239988, gnomAD 0.07%), and has an allele count higher than expected for a pathogenic variant. This variant has not been reported in the literature in individuals affected with ARHGEF10-related conditions. Algorithms developed to predict the effect of missense changes on protein structure and function output the following: SIFT: "Not Available"; PolyPhen-2: "Benign"; Align-GVGD: "Not Available". The histidine amino acid residue is found in multiple mammalian species, which suggests that this missense change does not adversely affect protein function. In summary, the available evidence is currently insufficient to determine the role of this variant in disease. Therefore, it has been classified as a Variant of Uncertain Significance.

NM_014629.4(ARHGEF10):c.3887G>A (p.Arg1296His)

Gene: ARHGEF10 (Rho guanine nucleotide exchange factor 10; plus strand). Cytogenetic location: 8p23.3.
Variant type: single nucleotide variant.
Coding change: c.3887G>A on transcript NM_014629.4 (MANE Select); coding-DNA position 3887, G replaced by A.
Protein change: p.Arg1296His; replaces arginine 1296 with histidine.
Molecular consequence: missense variant.
Genome position (GRCh38, 1-based): chr8:1,957,115, G>A. VCF-style: chr8-1957115-G-A. GRCh37 (hg19) VCF-style: chr8-1905281-G-A.
Other names: c.3773G>A, p.Arg1258His (NM_001308152.2); c.3887G>A, p.Arg1296His (NM_001308153.3); short protein forms R1258H, R1296H, R1320H.
Identifiers: ClinVar variation 2997778 (VCV002997778.4), dbSNP rs771239988, ClinGen allele CA4601517.